The following is an entry in ClinVar:

NM_000051.4(ATM):c.3284+4A>G

Gene: ATM (ATM serine/threonine kinase; plus strand). Cytogenetic location: 11q22.3.
Variant type: single nucleotide variant.
Coding change: c.3284+4A>G on transcript NM_000051.4 (MANE Select); 4 bases into the intron after coding-DNA position 3284, A replaced by G.
Molecular consequence: intron variant.
Genome position (GRCh38, 1-based): chr11:108,272,856, A>G. VCF-style: chr11-108272856-A-G. GRCh37 (hg19) VCF-style: chr11-108143583-A-G.
Other names: c.3284+4A>G (NM_001351834.2).
Identifiers: ClinVar variation 639201 (VCV000639201.7), dbSNP rs1591610423, ClinGen allele CA915948380.

ClinVar aggregate classification (germline): Uncertain significance. Review status: criteria provided, multiple submitters, no conflicts (2 of 4 stars). 2 submissions from 2 submitters: Uncertain significance (2). Last evaluated 2023-10-26.

Conditions:
Ataxia-telangiectasia syndrome (AT). Also called: Ataxia-telangiectasia, complementation group D; AT, COMPLEMENTATION GROUP C; Ataxia-telangiectasia; ATAXIA-TELANGIECTASIA, COMPLEMENTATION GROUP A; ATAXIA-TELANGIECTASIA, FRESNO VARIANT; LOUIS-BAR SYNDROME. Identifiers: Orphanet 100, MedGen C0004135, MONDO:0008840, OMIM 208900.
Familial cancer of breast. Also called: BREAST CANCER, FAMILIAL; hereditary breast carcinoma; Hereditary breast cancer. Identifiers: Orphanet 227535, MedGen C0346153, MONDO:0016419, OMIM 114480. Disease mechanism: loss of function.

Submissions (2):

Baylor Genetics
Classification: Uncertain significance for Familial cancer of breast. Last evaluated: 2023-10-26. Review status: criteria provided, single submitter. Criteria: ACMG Guidelines, 2015. Collection method: clinical testing. Allele origin: unknown.

Labcorp Genetics (formerly Invitae), Labcorp
Classification: Uncertain significance for Ataxia-telangiectasia syndrome. Last evaluated: 2022-06-18. Review status: criteria provided, single submitter. Criteria: Invitae Variant Classification Sherloc (09022015). Collection method: clinical testing. Allele origin: germline.
Comment: This variant has not been reported in the literature in individuals affected with ATM-related conditions. In summary, the available evidence is currently insufficient to determine the role of this variant in disease. Therefore, it has been classified as a Variant of Uncertain Significance. Variants that disrupt the consensus splice site are a relatively common cause of aberrant splicing (PMID: 17576681, 9536098). Algorithms developed to predict the effect of sequence changes on RNA splicing suggest that this variant may disrupt the consensus splice site. ClinVar contains an entry for this variant (Variation ID: 639201). This sequence change falls in intron 22 of the ATM gene. It does not directly change the encoded amino acid sequence of the ATM protein. It affects a nucleotide within the consensus splice site. This variant is not present in population databases (gnomAD no frequency).

Literature cited by the submitters: PubMed 17576681 (cited by Labcorp Genetics (formerly Invitae), Labcorp); PubMed 9536098 (cited by Labcorp Genetics (formerly Invitae), Labcorp).